The following is an entry in ClinVar:

NM_000152.5(GAA):c.853C>T (p.Pro285Ser)

Gene: GAA (alpha glucosidase; plus strand). Cytogenetic location: 17q25.3.
Variant type: single nucleotide variant.
Coding change: c.853C>T on transcript NM_000152.5 (MANE Select); coding-DNA position 853, C replaced by T.
Protein change: p.Pro285Ser; replaces proline 285 with serine.
Molecular consequence: missense variant.
Genome position (GRCh38, 1-based): chr17:80,107,717, C>T. VCF-style: chr17-80107717-C-T. GRCh37 (hg19) VCF-style: chr17-78081516-C-T.
Other names: NM_000152.5(GAA):c.853C>T; c.853C>T (LRG_673t1, NM_000152.4); c.853C>T, p.Pro285Ser (NM_001079803.3, NM_001079804.3); short protein forms P285S.
Identifiers: ClinVar variation 281052 (VCV000281052.31), dbSNP rs886042086, ClinGen allele CA10603793.
Genomic context (GRCh38, chr17:80,107,717, plus strand): 5'-AGTCCCCTGATGCTCAGCACCAGCTGGACCAGGATCACCCTGTGGAACCGGGACCTTGCG[C>T]CCACGGTACAGCGGCGGGCGGCGGGCGGGGGCACTGAGCTGGGGAGCGCAGGTGCTGAAG-3'
Protein context (NP_000143.2, residues 275-295): RITLWNRDLA[Pro285Ser]TPGANLYGSH

ClinVar aggregate classification (germline): Pathogenic. Review status: reviewed by expert panel (3 of 4 stars). 11 submissions from 11 submitters: Pathogenic (1). 10 of the submissions do not count toward it. Last evaluated 2026-09-01.

Conditions:
Glycogen storage disease, type II (IOPD). Also called: GAA DEFICIENCY, INFANTILE-ONSET; ACID MALTASE DEFICIENCY, INFANTILE-ONSET; GLYCOGENOSIS, GENERALIZED, CARDIAC FORM; GSD II; POMPE DISEASE, INFANTILE-ONSET; GLYCOGEN STORAGE DISEASE II, INFANTILE-ONSET. Identifiers: Orphanet 365, MedGen C0017921, MONDO:0009290, OMIM 232300.

Allele frequency attached by ClinVar (database versions not stated): gnomAD 0.00008; gnomAD exomes below 0.00001; TOPMed 0.00006.
gnomAD v4.1: 10 of 1,544,010 alleles (0.00065%); highest among the groups gnomAD compares: African/African-American, 0.014%; no homozygotes.

Submissions (11):

ClinGen Lysosomal Storage Disorder Variant Curation Expert Panel
Classification: Pathogenic for Glycogen storage disease, type II. Last evaluated: 2026-09-01. Review status: reviewed by expert panel. Criteria: clingen_lsd_acmg_specifications_v2-1. Collection method: curation. Allele origin: germline. Inheritance: Autosomal recessive inheritance.
Comment: The NM_000152.5:c.853C>T variant in GAA is a missense variant predicted to cause substitution of proline by serine at amino acid 285 (p.Pro285Ser). At least 4 patients with this variant had symptoms consistent with Pompe disease and documented laboratory values showing deficiency GAA activity; one was also treated with ERT (PMID: 21484825, 21550241, 37087815 (PP4_Moderate). All four patients were reported to be compound heterozygous for the variant and another variant in GAA, phase unconfirmed, that has been classified as pathogenic for Pompe disease by the ClinGen LD VCEP. In these cases, the second variant was either c.2560C>T (p.Arg854Ter) (PMID: 37087815; 2 patients, unrelated based on personal communication with author, 2 x 0.5 points), c.1354_1372del19 (PMID: 21550241, 21803581, 0.5 points), c.2237G>A (p.Trp746Ter) (PMID: 21484825, 0.5 points). Total 2 points (PM3_Strong). An infant who was compound heterozygous for the variant and c.670C>T (p.Arg224Trp) was identified on newborn screen but this data will not be included because no further clinical or laboratory data is available (Revvity). The highest population minor allele frequency in gnomAD v4.1.0 is 0.00013 (3/22640 alleles) in the African / African American population which is lower than the ClinGen LD VCEP's threshold (<0.001) for PM2_Supporting, meeting this criterion. The computational predictor REVEL gives a score of 0.757 which is above the threshold of 0.7, evidence that correlates with impact to GAA function (PP3). This variant results in <5% GAA activity when expressed in COS cells, and was classified as Class C ("less severe") by Kroos et al, 2012 (PMID:22644586), meeting the ClinGen LD VCEP criteria for PS3_Supporting. There is a ClinVar entry for this variant (Variation ID: 281052). In summary, this variant meets the criteria to be classified as Pathogenic for Pompe disease based on the GAA-specific ACMG/AMP criteria applied, as specified by the ClinGen Lysosomal Storage Disorders Variant Curation Expert Panel (Specifications Version 2.0): PM3_Strong, PP4_moderate, PP3, PM2_supporting, PS3_supporting. (Classification approved by the ClinGen Lysosomal Diseases Variant Curation Expert Panel on September 1, 2026)

Genomenon, Inc
Classification: Likely pathogenic for Glycogen storage disease, type II. Last evaluated: 2026-07-01. Review status: criteria provided, single submitter. Criteria: Genomenon Sequence Variant Interpretation Standards - Updated. Collection method: curation. Allele origin: germline. Affected: yes. Not counted in ClinVar's aggregate classification.
Comment: GAA p.Pro285Ser (c.853C>T) is a missense variant that changes the amino acid at codon 285 from Proline to Serine. This variant has been observed in at least one proband with a GAA-related disorder in the compound heterozygous and/or homozygous state (PMID:37087815;21484825;21550241;30564623). At least one functional study has demonstrated a substantial alteration in protein function relative to the wild-type (PMID:22644586). It is absent or not present at a significant frequency in gnomAD. In silico models predict that this variant is possibly or probably damaging. In conclusion, we classify GAA p.Pro285Ser (c.853C>T) as a likely pathogenic variant.

Labcorp Genetics (formerly Invitae), Labcorp
Classification: Pathogenic for Glycogen storage disease, type II. Last evaluated: 2026-01-14. Review status: criteria provided, single submitter. Criteria: Invitae Variant Classification Sherloc (09022015). Collection method: clinical testing. Allele origin: germline. Not counted in ClinVar's aggregate classification.
Comment: This sequence change replaces proline, which is neutral and non-polar, with serine, which is neutral and polar, at codon 285 of the GAA protein (p.Pro285Ser). The frequency data for this variant in the population databases is considered unreliable, as metrics indicate poor data quality at this position in the gnomAD database. This missense change has been observed in individual(s) with Pompe disease (PMID: 18425781, 21484825, 21550241). ClinVar contains an entry for this variant (Variation ID: 281052). Invitae Evidence Modeling of protein sequence and biophysical properties (such as structural, functional, and spatial information, amino acid conservation, physicochemical variation, residue mobility, and thermodynamic stability) indicates that this missense variant is expected to disrupt GAA protein function with a positive predictive value of 95%. Experimental studies have shown that this missense change affects GAA function (PMID: 22644586). This variant disrupts the p.Pro285 amino acid residue in GAA. Other variant(s) that disrupt this residue have been determined to be pathogenic (PMID: 14695532, 28196920). This suggests that this residue is clinically significant, and that variants that disrupt this residue are likely to be disease-causing. For these reasons, this variant has been classified as Pathogenic.

Natera, Inc.
Classification: Pathogenic for Glycogen storage disease type II. Last evaluated: 2025-02-24. Review status: criteria provided, single submitter. Criteria: Natera Variant Classification Schema (03/2026). Collection method: clinical testing. Allele origin: germline. Not counted in ClinVar's aggregate classification.
Comment: The c.853C>T variant in GAA is a missense variant predicted to cause substitution of proline to serine at amino acid 285. This variant is rare in the general population with a frequency below the threshold expected for the associated phenotype(s). This variant has been observed in one or more individuals affected with the associated recessive disease, as either homozygous or compound heterozygous with a second variant (PMID: 21550241, 21484825, 30564623). Functional studies show that this variant may disrupt protein function (PMID: 22644586). A different variant at the same position has been determined to be Pathogenic or Likely Pathogenic. Computational prediction algorithms indicate this variant is likely to affect gene or protein function. Given the available evidence, this variant is classified as Pathogenic.

Revvity Omics, Revvity
Classification: Pathogenic. Last evaluated: 2024-08-12. Review status: criteria provided, single submitter. Criteria: ACMG Guidelines, 2015. Collection method: clinical testing. Allele origin: germline. Not counted in ClinVar's aggregate classification.

Fulgent Genetics
Classification: Likely pathogenic for Glycogen storage disease, type II. Last evaluated: 2024-03-27. Review status: criteria provided, single submitter. Criteria: ACMG Guidelines, 2015. Collection method: clinical testing. Allele origin: germline. Not counted in ClinVar's aggregate classification.

Genome-Nilou Lab
Classification: Likely pathogenic for Glycogen storage disease, type II. Last evaluated: 2021-07-22. Review status: criteria provided, single submitter. Criteria: ACMG Guidelines, 2015. Collection method: clinical testing. Allele origin: germline. Affected: no. Not counted in ClinVar's aggregate classification.

Broad Center for Mendelian Genomics, Broad Institute of MIT and Harvard
Classification: Pathogenic for Glycogen storage disease, type II. Last evaluated: 2020-01-22. Review status: criteria provided, single submitter. Criteria: ACMG Guidelines, 2015. Collection method: curation. Allele origin: germline. Inheritance: Autosomal recessive inheritance. Not counted in ClinVar's aggregate classification.
Comment: The p.Pro285Ser variant in GAA has been reported in 3 individuals with Glycogen Storage Disease II (PMID: 21550241, 21484825, 30564623), and has also been reported as a pathogenic variant by EGL Genetic Diagnostics and Integrated Genetics and a VUS by Counsyl in ClinVar (Variation ID: 281052). This variant has been identified in 0.013% (3/22640) of African chromosomes by the Genome Aggregation Database (gnomAD; dbSNP rs886042086). Although this variant has been seen in the general population, its frequency is low enough to be consistent with a recessive carrier frequency. In vitro functional studies with COS cells transfected with this variant provide some evidence that the p.Pro285Ser variant may impact GAA activity and slightly reduce GAA levels (PMID: 22644586). However, these types of assays may not accurately represent biological function. Computational prediction tools and conservation analyses suggest that this variant may impact the protein, though this information is not predictive enough to determine pathogenicity. The presence of this variant in combination with a pathogenic variant and in an individual with Glycogen Storage Disease II increases the likelihood that the p.Pro285Ser variant is pathogenic (PMID: 21550241, 21484825). One additional pathogenic variant at the the same position, p.Pro285Arg, was reported in association with disease, supporting that a change at this position may not be tolerated (Variation ID: 225114). The phenotype of individuals heterozygous for this variant is highly specific for Glycogen Storage Disease II based on reduced GAA activity in relevant tissues, consistent with disease (PMID: 21550241, 21484825). In summary, this variant meets criteria to be classified as pathogenic for Glycogen Storage Disease II in an autosomal recessive manner based on evidence from in vitro functional studies, low frequency in the general population, and another pathogenic variant reported at the same position. ACMG/AMP Criteria applied: PS3, PM5, PM2, PM3_Supporting, PP3, PP4 (Richards 2015).

Women's Health and Genetics/Laboratory Corporation of America, LabCorp
Classification: Pathogenic for Glycogen storage disease, type II. Last evaluated: 2018-12-13. Review status: criteria provided, single submitter. Criteria: LabCorp Variant Classification Summary - May 2015. Collection method: clinical testing. Allele origin: germline. Not counted in ClinVar's aggregate classification.
Comment: Variant summary: GAA c.853C>T (p.Pro285Ser) results in a non-conservative amino acid change located in the Glycoside hydrolase family 31, N-terminal domain of the encoded protein sequence. Five of five in-silico tools predict a damaging effect of the variant on protein function. The variant allele was found at a frequency of 3.7e-05 in 27092 control chromosomes. c.853C>T has been reported in the literature in individuals affected with Late Onset Pompe Disease (Bali_2011, Carlier_2011, Kroos_2008, Nallamilli_2018, Orlikowski_2011), and in one reported case the GAA activity in the patients fibroblasts was <1% (Bali_2011). These data indicate that the variant is likely to be associated with disease. Two clinical diagnostic laboratories have submitted clinical-significance assessments for this variant to ClinVar after 2014 without evidence for independent evaluation. One laboratory classified the variant as likely pathogenic, and one laboratory classified the variant as uncertain significance. Based on the evidence outlined above, the variant was classified as pathogenic.

Eurofins Ntd Llc (ga)
Classification: Pathogenic. Last evaluated: 2018-06-13. Review status: criteria provided, single submitter. Criteria: EGL ClinVar v180209 classification definitions. Collection method: clinical testing. Allele origin: germline. Observed: 4 variant alleles, 4 heterozygotes. Not counted in ClinVar's aggregate classification.

Counsyl
Classification: Uncertain significance for Glycogen storage disease, type II. Last evaluated: 2017-05-01. Review status: no assertion criteria provided. Collection method: clinical testing. Allele origin: unknown. Not counted in ClinVar's aggregate classification.

Literature cited by the submitters: PubMed 37087815 (cited by Genomenon, Inc); PubMed 21484825 (cited by 6 submitters); PubMed 21550241 (cited by 5 submitters); PubMed 30564623 (cited by Genomenon, Inc and Natera, Inc.); PubMed 22644586 (cited by 6 submitters); PubMed 18425781 (cited by Labcorp Genetics (formerly Invitae), Labcorp and Women's Health and Genetics/Laboratory Corporation of America, LabCorp); PubMed 14695532 (cited by Labcorp Genetics (formerly Invitae), Labcorp); PubMed 28196920 (cited by Labcorp Genetics (formerly Invitae), Labcorp).